The following is an entry in ClinVar:

ClinVar aggregate classification (germline): Pathogenic/Likely pathogenic. Review status: criteria provided, multiple submitters, no conflicts (2 of 4 stars). 5 submissions from 5 submitters: Pathogenic (3); Likely pathogenic (2). Last evaluated 2025-11-25.

Conditions:
Autosomal recessive spastic paraplegia type 76. Identifiers: Orphanet 488594, MedGen C5567483, MONDO:0014827, OMIM 616907.
CAPN1-related disorder. Also called: CAPN1-related condition.

Allele frequency attached by ClinVar (database versions not stated): gnomAD exomes 0.00003 and 0.00006; ExAC 0.00011; 1000 Genomes Project 0.00020; gnomAD 0.00023 and 0.00024; ESP Exome Variant Server 0.00024; TOPMed 0.00025; 1000 Genomes Project 30x 0.00062.
gnomAD v4.1: 76 of 1,613,172 alleles (0.0047%); highest among the groups gnomAD compares: African/African-American, 0.088%; no homozygotes.

Submissions (6):

Labcorp Genetics (formerly Invitae), Labcorp
Classification: Pathogenic. Last evaluated: 2025-11-25. Review status: criteria provided, single submitter. Criteria: Invitae Variant Classification Sherloc (09022015). Collection method: clinical testing. Allele origin: germline.
Comment: This sequence change affects a donor splice site in intron 2 of the CAPN1 gene. It is expected to disrupt RNA splicing. Variants that disrupt the donor or acceptor splice site typically lead to a loss of protein function (PMID: 16199547), and loss-of-function variants in CAPN1 are known to be pathogenic (PMID: 27153400, 27320912). This variant is present in population databases (rs199559271, gnomAD 0.09%). Disruption of this splice site has been observed in individuals with hereditary spastic paraplegia (internal data). ClinVar contains an entry for this variant (Variation ID: 1325392). Algorithms developed to predict the effect of sequence changes on RNA splicing suggest that this variant may disrupt the consensus splice site. For these reasons, this variant has been classified as Pathogenic.

Women's Health and Genetics/Laboratory Corporation of America, LabCorp
Classification: Likely pathogenic for Autosomal recessive spastic paraplegia type 76. Last evaluated: 2025-05-05. Review status: criteria provided, single submitter. Criteria: LabCorp Variant Classification Summary - May 2015. Collection method: clinical testing. Allele origin: germline.
Comment: Variant summary: CAPN1 c.267+2T>C is located in a canonical splice-site and is predicted to affect mRNA splicing resulting in a significantly altered protein due to either exon skipping, shortening, or inclusion of intronic material. Variants that disrupt the consensus splice site are a relatively common cause of aberrant splicing and loss of CAPN1 function. Several computational tools predict a significant impact on normal splicing: Four predict the variant abolishes a 5' splicing donor site. However, these predictions have yet to be confirmed by functional studies. The variant allele was found at a frequency of 4.7e-05 in 1613172 control chromosomes. This frequency is not significantly higher than estimated for a pathogenic variant in CAPN1 causing Autosomal Recessive Spastic Paraplegia Type 76, allowing no conclusion about variant significance. c.267+2T>C has been observed in a study screening for novel genes associated with cardiovascular traits (Glicksberg_2019). These report(s) do not provide unequivocal conclusions about association of the variant with Autosomal Recessive Spastic Paraplegia Type 76. To our knowledge, no experimental evidence demonstrating an impact on protein function has been reported. The following publication have been ascertained in the context of this evaluation (PMID: 31345219). ClinVar contains an entry for this variant (Variation ID: 1325392). Based on the evidence outlined above, the variant was classified as likely pathogenic.

GeneDx
Classification: Pathogenic. Last evaluated: 2024-03-04. Review status: criteria provided, single submitter. Criteria: GeneDx Variant Classification Process June 2021. Collection method: clinical testing. Allele origin: germline. Affected: yes.
Comment: Canonical splice site variant predicted to result in a null allele in a gene for which loss of function is a known mechanism of disease; Has not been previously reported in association with a CAPN1-related disorder to our knowledge; This variant is associated with the following publications: (PMID: 27153400, 27320912, 31345219)

Blueprint Genetics
Classification: Likely pathogenic for CAPN1-related disorders. Last evaluated: 2022-09-21. Review status: criteria provided, single submitter. Criteria: ACMG Guidelines, 2015. Collection method: clinical testing. Allele origin: germline. Affected: yes. Observed: 3 variant alleles.

CeGaT Center for Human Genetics Tuebingen
Classification: Pathogenic. Last evaluated: 2021-10-01. Review status: criteria provided, single submitter. Criteria: CeGaT Center For Human Genetics Tuebingen Variant Classification Criteria Version 2. Collection method: clinical testing. Allele origin: germline. Affected: yes. Observed: 1 variant allele.

Dr. Peter K. Rogan Lab, Western University
No classification provided (evidence only). Condition: Gastric cancer. Review status: no classification provided. Collection method: in vitro. Allele origin: not applicable. Functional consequence: retained intron. Not counted in ClinVar's aggregate classification.

Literature cited by the submitters: PubMed 16199547 (cited by Labcorp Genetics (formerly Invitae), Labcorp); PubMed 27153400 (cited by Labcorp Genetics (formerly Invitae), Labcorp); PubMed 27320912 (cited by Labcorp Genetics (formerly Invitae), Labcorp); PubMed 31345219 (cited by Women's Health and Genetics/Laboratory Corporation of America, LabCorp).

NM_005186.4(CAPN1):c.267+2T>C

Gene: CAPN1 (calpain 1; plus strand). Cytogenetic location: 11q13.1.
Variant type: single nucleotide variant.
Coding change: c.267+2T>C on transcript NM_005186.4 (MANE Select); the canonical splice donor site of the intron after coding-DNA position 267, T replaced by C.
Molecular consequence: splice donor variant.
Genome position (GRCh38, 1-based): chr11:65,182,970, T>C. VCF-style: chr11-65182970-T-C. GRCh37 (hg19) VCF-style: chr11-64950441-T-C.
Other names: c.267+2T>C (NM_001198868.2, NM_001198869.2).
Identifiers: ClinVar variation 1325392 (VCV001325392.42), dbSNP rs199559271, ClinGen allele CA6092987.